The following is an entry in ClinVar:

NM_006493.4(CLN5):c.128G>A (p.Arg43Gln)

Genes: CLN5 (CLN5 lysosomal BMP synthase; plus strand), LOC130009913 (ATAC-STARR-seq lymphoblastoid silent region 5414; plus strand). Cytogenetic location: 13q22.3.
Variant type: single nucleotide variant.
Coding change: c.128G>A on transcript NM_006493.4 (MANE Select); coding-DNA position 128, G replaced by A.
Protein change: p.Arg43Gln; replaces arginine 43 with glutamine.
Molecular consequence: missense variant.
Genome position (GRCh38, 1-based): chr13:76,992,226, G>A. VCF-style: chr13-76992226-G-A. GRCh37 (hg19) VCF-style: chr13-77566361-G-A.
Other names: c.128G>A, p.Arg43Gln (NM_001366624.2); short protein forms R43Q.
Identifiers: ClinVar variation 1350104 (VCV001350104.5), dbSNP rs1282649970, ClinGen allele CA388306682.

ClinVar aggregate classification (germline): Uncertain significance (1 of 4 stars; one submission).

Conditions:
Neuronal ceroid lipofuscinosis. Also called: Neuronal Ceroid Lipofuscinoses. Identifiers: Orphanet 216, Orphanet 79263, MedGen C0027877, MONDO:0016295. Disease mechanism: loss of function.

Allele frequency attached by ClinVar (database versions not stated): gnomAD exomes below 0.00001.

Submission:

Labcorp Genetics (formerly Invitae), Labcorp
Classification: Uncertain significance for Neuronal ceroid lipofuscinosis. Last evaluated: 2021-08-27. Review status: criteria provided, single submitter. Criteria: Invitae Variant Classification Sherloc (09022015). Collection method: clinical testing. Allele origin: germline.
Comment: This sequence change replaces arginine with glutamine at codon 92 of the CLN5 protein (p.Arg92Gln). The arginine residue is weakly conserved and there is a small physicochemical difference between arginine and glutamine. This variant is not present in population databases (ExAC no frequency). This variant has not been reported in the literature in individuals affected with CLN5-related conditions. Algorithms developed to predict the effect of missense changes on protein structure and function output the following: SIFT: "Tolerated"; PolyPhen-2: "Benign"; Align-GVGD: "Class C0". The glutamine amino acid residue is found in multiple mammalian species, which suggests that this missense change does not adversely affect protein function. Algorithms developed to predict the effect of sequence changes on RNA splicing suggest that this variant may create or strengthen a splice site. In summary, the available evidence is currently insufficient to determine the role of this variant in disease. Therefore, it has been classified as a Variant of Uncertain Significance.